The following is an entry in ClinVar:

NM_004655.4(AXIN2):c.1392C>T (p.Ser464=)

Gene: AXIN2 (axin 2; minus strand). Cytogenetic location: 17q24.1.
Variant type: single nucleotide variant.
Coding change: c.1392C>T on transcript NM_004655.4 (MANE Select); coding-DNA position 1392, C replaced by T.
Protein change: p.Ser464=; no amino-acid change (serine 464 retained).
Molecular consequence: synonymous variant.
Genome position (GRCh38, 1-based): chr17:65,537,644, G>A on the plus strand (C>T on the coding strand, the complement: AXIN2 is on the minus strand). VCF-style: chr17-65537644-G-A. GRCh37 (hg19) VCF-style: chr17-63533762-G-A.
Other names: c.1392C>T, p.Ser464= (NM_001363813.1).
Identifiers: ClinVar variation 2119182 (VCV002119182.7), dbSNP rs1425878510, ClinGen allele CA501691179.

ClinVar aggregate classification (germline): Benign/Likely benign. Review status: criteria provided, multiple submitters, no conflicts (2 of 4 stars). 3 submissions from 3 submitters: Benign (1); Likely benign (2). Last evaluated 2025-06-03.

Conditions:
Hereditary cancer-predisposing syndrome. Also called: Hereditary Cancer Syndrome; Tumor predisposition; Neoplastic Syndromes, Hereditary; Hereditary neoplastic syndrome. Identifiers: Orphanet 140162, MedGen C0027672, MeSH D009386, MONDO:0015356.
Oligodontia-cancer predisposition syndrome. Also called: TOOTH AGENESIS-COLORECTAL CANCER SYNDROME. Identifiers: Orphanet 300576, MedGen C1837750, MONDO:0012075, OMIM 608615. Disease mechanism: loss of function.

Submissions (3):

Labcorp Genetics (formerly Invitae), Labcorp
Classification: Likely benign for Oligodontia-cancer predisposition syndrome. Last evaluated: 2025-06-03. Review status: criteria provided, single submitter. Criteria: Invitae Variant Classification Sherloc (09022015). Collection method: clinical testing. Allele origin: germline.

Myriad Genetics, Inc.
Classification: Benign for Oligodontia-cancer predisposition syndrome. Last evaluated: 2024-07-03. Review status: criteria provided, single submitter. Criteria: Myriad Autosomal Dominant, Autosomal Recessive and X-Linked Classification Criteria (2023). Collection method: clinical testing. Allele origin: unknown.
Comment: This variant is considered benign. This variant is a silent/synonymous amino acid change and it is not expected to impact splicing.

Ambry Genetics
Classification: Likely benign for Hereditary cancer-predisposing syndrome. Last evaluated: 2023-03-05. Review status: criteria provided, single submitter. Criteria: Ambry Variant Classification Scheme 2023. Collection method: clinical testing. Allele origin: germline.